The following is an entry in ClinVar:

ClinVar aggregate classification (germline): Uncertain significance (1 of 4 stars; one submission).

Conditions:
Hereditary cancer-predisposing syndrome. Also called: Neoplastic Syndromes, Hereditary; Tumor predisposition; Hereditary neoplastic syndrome; Hereditary Cancer Syndrome. Identifiers: Orphanet 140162, MedGen C0027672, MeSH D009386, MONDO:0015356.

Allele frequency attached by ClinVar (database versions not stated): gnomAD exomes below 0.00001.
gnomAD v4.1: 1 of 1,613,812 alleles (0.000062%); highest among the groups gnomAD compares: Non-Finnish European, 0.000085%; no homozygotes.

Submission:

Ambry Genetics
Classification: Uncertain significance for Hereditary cancer-predisposing syndrome. Last evaluated: 2024-03-13. Review status: criteria provided, single submitter. Criteria: Ambry Variant Classification Scheme 2023. Collection method: clinical testing. Allele origin: germline.
Comment: The c.2391+4T>C intronic variant results from a T to C substitution 4 nucleotides after coding exon 16 in the TSC1 gene. This nucleotide position is not well conserved in available vertebrate species. In silico splice site analysis predicts that this alteration will not have any significant effect on splicing. Based on the available evidence, the clinical significance of this alteration remains unclear.

NM_000368.5(TSC1):c.2391+4T>C

Gene: TSC1 (TSC complex subunit 1; minus strand). Cytogenetic location: 9q34.13.
Variant type: single nucleotide variant.
Coding change: c.2391+4T>C on transcript NM_000368.5 (MANE Select); 4 bases into the intron after coding-DNA position 2391, T replaced by C.
Molecular consequence: intron variant.
Genome position (GRCh38, 1-based): chr9:132,902,601, A>G on the plus strand (T>C on the coding strand, the complement: TSC1 is on the minus strand). VCF-style: chr9-132902601-A-G. GRCh37 (hg19) VCF-style: chr9-135777988-A-G.
Other names: c.2025+4T>C (NM_001406620.1, NM_001406625.1, NM_001406621.1 and 2 more transcripts); c.2028+4T>C (NM_001406618.1, NM_001406617.1, NM_001406619.1 and 5 more transcripts); c.2235+4T>C (NM_001406613.1, NM_001406612.1, NM_001406611.1); c.2238+4T>C (NM_001406610.1, NM_001162427.2); c.1437+4T>C (NM_001406627.1, NM_001406628.1); c.1338+4T>C (NM_001406629.1, NM_001406630.1); c.2373+4T>C (NM_001406603.1, NM_001406604.1); c.2388+4T>C (NM_001406609.1, NM_001406597.1, NM_001406600.1 and 4 more transcripts); and 3 more.
Identifiers: ClinVar variation 3231302 (VCV003231302.1), dbSNP rs1266400441, ClinGen allele CA591361262.
Genomic context (GRCh38, chr9:132,902,601, plus strand): 5'-GCCTCCCTCCCCACTGCTCTCCGGCATTCTCGCAGTTGGCTTTGCCTGGTGCTGCAGTTT[A>G]TACCTGTAATTCCTGGCTCTGGTTGTAGAATTCCTCTCGGTCATGCTGCAGCTGTCTGAT-3'